The following is an entry in ClinVar:

ClinVar aggregate classification (germline): Conflicting classifications of pathogenicity. Review status: criteria provided, conflicting classifications (1 of 4 stars). 10 submissions from 10 submitters: Uncertain significance (8); Likely benign (2). Last evaluated 2026-01-17.

Conditions:
FLCN-related disorder. Also called: FLCN-related condition.
Birt-Hogg-Dube syndrome. Also called: Birt Hogg Dubé syndrome. Identifiers: Orphanet 122, MedGen C0346010, MONDO:0800444.
Familial spontaneous pneumothorax (PSP). Identifiers: Orphanet 2903, MedGen C1868193, MONDO:0008259, OMIM 173600.
17p11.2 microduplication syndrome (PTLS). Also called: CHROMOSOME 17p11.2 DUPLICATION SYNDROME; Potocki-Lupski syndrome; Duplication 17p11.2 syndrome; Potocki-Lupski syndrome (dup(17)(p11.2p11.2)). Identifiers: Orphanet 1713, MedGen C2931246, MONDO:0012574, OMIM 610883.
Nonpapillary renal cell carcinoma. Identifiers: Orphanet 422526, MedGen CN074294, MONDO:0007763, OMIM 144700.
Colorectal cancer. Also called: Malignant Colorectal Neoplasm; Colorectal cancer, somatic. Identifiers: MedGen C0346629, MONDO:0005575, OMIM 114500.
Birt-Hogg-Dube syndrome 1 (BHD1). Also called: FIBROFOLLICULOMAS WITH TRICHODISCOMAS AND ACROCHORDONS. Identifiers: Orphanet 122, MedGen CN375946, MONDO:0800445, OMIM 135150.
Hereditary cancer-predisposing syndrome. Also called: Tumor predisposition; Hereditary neoplastic syndrome; Hereditary Cancer Syndrome; Neoplastic Syndromes, Hereditary. Identifiers: Orphanet 140162, MedGen C0027672, MeSH D009386, MONDO:0015356.

Allele frequency attached by ClinVar (database versions not stated): gnomAD 0.00001; TOPMed 0.00001; gnomAD exomes 0.00005; ExAC 0.00006.

Submissions (10):

Labcorp Genetics (formerly Invitae), Labcorp
Classification: Uncertain significance for Birt-Hogg-Dube syndrome. Last evaluated: 2026-01-17. Review status: criteria provided, single submitter. Criteria: Invitae Variant Classification Sherloc (09022015). Collection method: clinical testing. Allele origin: germline.
Comment: This sequence change replaces arginine, which is basic and polar, with tryptophan, which is neutral and slightly polar, at codon 179 of the FLCN protein (p.Arg179Trp). This variant is present in population databases (rs774358971, gnomAD 0.008%), and has an allele count higher than expected for a pathogenic variant. This missense change has been observed in individual(s) with FLCN-related conditions (PMID: 34326862). ClinVar contains an entry for this variant (Variation ID: 409403). Invitae Evidence Modeling of protein sequence and biophysical properties (such as structural, functional, and spatial information, amino acid conservation, physicochemical variation, residue mobility, and thermodynamic stability) has been performed for this missense variant. However, the output from this modeling did not meet the statistical confidence thresholds required to predict the impact of this variant on FLCN protein function. In summary, the available evidence is currently insufficient to determine the role of this variant in disease. Therefore, it has been classified as a Variant of Uncertain Significance.

PreventionGenetics, part of Exact Sciences
Classification: Uncertain significance for FLCN-related condition. Last evaluated: 2025-10-13. Review status: criteria provided, single submitter. Criteria: ACMG Guidelines, 2015. Collection method: clinical testing. Allele origin: germline.
Comment: The FLCN c.535C>T variant is predicted to result in the amino acid substitution p.Arg179Trp. This variant has been reported in an individual with colorectal cancer and polyps, who also had two variants in MUTYH (Table S4, Bhai et al. 2021. PubMed ID: 34326862). This variant is reported in 0.0085% of alleles in individuals of European (Non-Finnish) descent in gnomAD and has conflicting interpretations in ClinVar ranging from uncertain significance and likely benign (Variation ID: 409403). At this time, the clinical significance of this variant is uncertain due to the absence of conclusive functional and genetic evidence.

St. Jude Molecular Pathology, St. Jude Children's Research Hospital
Classification: Uncertain significance for Birt-Hogg-Dube syndrome 1. Last evaluated: 2025-06-17. Review status: criteria provided, single submitter. Criteria: St. Jude Assertion Criteria 2020. Collection method: clinical testing. Allele origin: germline.
Comment: The FLCN c.535C>T p.(Arg179Trp) missense change has a maximum subpopulation frequency of 0.0085% in gnomAD v2.1.1. The in silico tool REVEL predicts a deleterious effect on protein function, but to our knowledge this prediction has not been confirmed by functional studies. To our knowledge, this variant has not been reported in individuals with Birt-Hogg-Dubai syndrome. In summary, the evidence currently available is insufficient to determine the clinical significance of this variant. It has therefore been classified as of uncertain significance.

Center for Genomic Medicine, Rigshospitalet, Copenhagen University Hospital
Classification: Uncertain significance. Last evaluated: 2025-03-04. Review status: criteria provided, single submitter. Criteria: ACMG Guidelines, 2015. Collection method: clinical testing. Allele origin: germline.

Myriad Genetics, Inc.
Classification: Likely benign for Birt-Hogg-Dube syndrome 1. Last evaluated: 2024-10-23. Review status: criteria provided, single submitter. Criteria: Myriad Autosomal Dominant, Autosomal Recessive and X-Linked Classification Criteria (2023). Collection method: clinical testing. Allele origin: unknown.
Comment: This variant is considered likely benign. This variant has been observed at a population frequency that is significantly greater than expected given the associated disease prevalence and penetrance.

CeGaT Center for Human Genetics Tuebingen
Classification: Uncertain significance. Last evaluated: 2024-03-01. Review status: criteria provided, single submitter. Criteria: CeGaT Center For Human Genetics Tuebingen Variant Classification Criteria Version 2. Collection method: clinical testing. Allele origin: germline. Affected: yes. Observed: 1 variant allele.
Comment: FLCN: PP3

GeneDx
Classification: Uncertain significance. Last evaluated: 2023-09-26. Review status: criteria provided, single submitter. Criteria: GeneDx Variant Classification Process June 2021. Collection method: clinical testing. Allele origin: germline. Affected: yes.
Comment: In silico analysis supports that this missense variant has a deleterious effect on protein structure/function; Observed in individual(s) with colorectal cancer (Bhai et al., 2021); This variant is associated with the following publications: (PMID: 34326862)

Ambry Genetics
Classification: Likely benign for Hereditary cancer-predisposing syndrome. Last evaluated: 2022-11-15. Review status: criteria provided, single submitter. Criteria: Ambry Variant Classification Scheme 2023. Collection method: clinical testing. Allele origin: germline.

Fulgent Genetics
Classification: Uncertain significance for Colorectal cancer; Birt-Hogg-Dube syndrome 1; Nonpapillary renal cell carcinoma; Familial spontaneous pneumothorax; 17p11.2 microduplication syndrome. Last evaluated: 2022-05-11. Review status: criteria provided, single submitter. Criteria: ACMG Guidelines, 2015. Collection method: clinical testing. Allele origin: unknown.

Centre for Mendelian Genomics, University Medical Centre Ljubljana
Classification: Uncertain significance for 17p11.2 microduplication syndrome. Last evaluated: 2018-10-04. Review status: criteria provided, single submitter. Criteria: ACMG Guidelines, 2015. Collection method: clinical testing. Allele origin: unknown. Affected: yes.
Comment: This variant was classified as: Uncertain significance. The available evidence on this variant's pathogenicity is insufficient or conflicting. The following ACMG criteria were applied in classifying this variant: PP3,BP1.

Literature cited by the submitters: PubMed 34326862 (cited by Labcorp Genetics (formerly Invitae), Labcorp).

NM_144997.7(FLCN):c.535C>T (p.Arg179Trp)

Gene: FLCN (folliculin; minus strand). Cytogenetic location: 17p11.2.
Variant type: single nucleotide variant.
Coding change: c.535C>T on transcript NM_144997.7 (MANE Select); coding-DNA position 535, C replaced by T.
Protein change: p.Arg179Trp; replaces arginine 179 with tryptophan.
Molecular consequence: missense variant.
Genome position (GRCh38, 1-based): chr17:17,224,005, G>A on the plus strand (C>T on the coding strand, the complement: FLCN is on the minus strand). VCF-style: chr17-17224005-G-A. GRCh37 (hg19) VCF-style: chr17-17127319-G-A.
Other names: c.535C>T (LRG_325t1); c.589C>T, p.Arg197Trp (NM_001353229.2); c.535C>T, p.Arg179Trp (NM_001353230.2, NM_001353231.2, NM_144606.7); short protein forms R179W, R197W.
Identifiers: ClinVar variation 409403 (VCV000409403.49), dbSNP rs774358971, ClinGen allele CA8416388.
Genomic context (GRCh38, chr17:17,224,005, plus strand): 5'-CATCGATGATTCCCCGGACCTTCCCCAGCAGGAAGGGCCAGGAGTTGATGAGGTAGATCC[G>A]GTCCATCATGATGGTGATGATGCTGTACCAGCGCTGGAAGCCCCTGGCCAGGCTGTCCTT-3'
Protein context (NP_659434.2, residues 169-189): WYSIITIMMD[Arg179Trp]IYLINSWPFL